The following is an entry in ClinVar:

NM_012338.4(TSPAN12):c.700C>T (p.Gln234Ter)

Gene: TSPAN12 (tetraspanin 12; minus strand). Cytogenetic location: 7q31.31.
Variant type: single nucleotide variant.
Coding change: c.700C>T on transcript NM_012338.4 (MANE Select); coding-DNA position 700, C replaced by T.
Protein change: p.Gln234Ter; replaces glutamine 234 with a stop codon.
Molecular consequence: nonsense.
Genome position (GRCh38, 1-based): chr7:120,788,810, G>A on the plus strand (C>T on the coding strand, the complement: TSPAN12 is on the minus strand). VCF-style: chr7-120788810-G-A. GRCh37 (hg19) VCF-style: chr7-120428864-G-A.
Other names: short protein forms Q234*.
Identifiers: ClinVar variation 1515730 (VCV001515730.6), dbSNP rs2116274241, ClinGen allele CA369133771.
Genomic context (GRCh38, chr7:120,788,810, plus strand): 5'-CCCTTCTATCATAATACAGAGCCCAGAGCAGAGTAATGGTGAGAATCATGGCCAGGATTT[G>A]TGTCACCCCAATGGAGATTCCCAGAAACCTCAGCACCTGCAGTTGTTTGGTTCCTCTCAA-3'

ClinVar aggregate classification (germline): Uncertain significance (1 of 4 stars; one submission).

Submission:

Labcorp Genetics (formerly Invitae), Labcorp
Classification: Uncertain significance. Last evaluated: 2025-05-21. Review status: criteria provided, single submitter. Criteria: Invitae Variant Classification Sherloc (09022015). Collection method: clinical testing. Allele origin: germline.
Comment: This sequence change creates a premature translational stop signal (p.Gln234*) in the TSPAN12 gene. While this is not anticipated to result in nonsense mediated decay, it is expected to disrupt the last 72 amino acid(s) of the TSPAN12 protein. This variant is not present in population databases (gnomAD no frequency). This variant has not been reported in the literature in individuals affected with TSPAN12-related conditions. ClinVar contains an entry for this variant (Variation ID: 1515730). This variant disrupts the C-terminus of the TSPAN12 protein. Other variant(s) that disrupt this region (p.Leu240Profs*21, p.Leu278Glnfs*25) have been observed in individuals with TSPAN12-related conditions (PMID: 30452590, 31106028). This suggests that this may be a clinically significant region of the protein. In summary, the available evidence is currently insufficient to determine the role of this variant in disease. Therefore, it has been classified as a Variant of Uncertain Significance.

Literature cited by the submitters: PubMed 30452590; PubMed 31106028.